The following is an entry in ClinVar:

ClinVar aggregate classification (germline): Uncertain significance (1 of 4 stars; one submission).

Conditions:
Charcot-Marie-Tooth disease type 2E (CMT2E). Also called: CHARCOT-MARIE-TOOTH NEUROPATHY, TYPE 2E; CHARCOT-MARIE-TOOTH DISEASE, AXONAL, TYPE 2E. Identifiers: Orphanet 99939, MedGen C1843225, MONDO:0011894, OMIM 607684.

Allele frequency attached by ClinVar (database versions not stated): TOPMed 0.00001.

Submission:

Labcorp Genetics (formerly Invitae), Labcorp
Classification: Uncertain significance for Charcot-Marie-Tooth disease type 2E. Last evaluated: 2023-08-10. Review status: criteria provided, single submitter. Criteria: Invitae Variant Classification Sherloc (09022015). Collection method: clinical testing. Allele origin: germline.
Comment: Advanced modeling of protein sequence and biophysical properties (such as structural, functional, and spatial information, amino acid conservation, physicochemical variation, residue mobility, and thermodynamic stability) performed at Invitae indicates that this missense variant is not expected to disrupt NEFL protein function. In summary, the available evidence is currently insufficient to determine the role of this variant in disease. Therefore, it has been classified as a Variant of Uncertain Significance. ClinVar contains an entry for this variant (Variation ID: 843178). This variant has not been reported in the literature in individuals affected with NEFL-related conditions. This variant is not present in population databases (gnomAD no frequency). This sequence change replaces glutamic acid, which is acidic and polar, with lysine, which is basic and polar, at codon 165 of the NEFL protein (p.Glu165Lys).

NM_006158.5(NEFL):c.493G>A (p.Glu165Lys)

Gene: NEFL (neurofilament light chain; minus strand). Cytogenetic location: 8p21.2.
Variant type: single nucleotide variant.
Coding change: c.493G>A on transcript NM_006158.5 (MANE Select); coding-DNA position 493, G replaced by A.
Protein change: p.Glu165Lys; replaces glutamic acid 165 with lysine.
Molecular consequence: missense variant.
Genome position (GRCh38, 1-based): chr8:24,956,023, C>T on the plus strand (G>A on the coding strand, the complement: NEFL is on the minus strand). VCF-style: chr8-24956023-C-T. GRCh37 (hg19) VCF-style: chr8-24813537-C-T.
Other names: short protein forms E165K.
Identifiers: ClinVar variation 843178 (VCV000843178.6), dbSNP rs1323700017, ClinGen allele CA370622267.
Genomic context (GRCh38, chr8:24,956,023, plus strand): 5'-GGCTCAGCACCTCCTCTTCATAGCGCGCCTGCAGGTTGCGCAGGGTCTCCTCCAGCCCTT[C>T]GCGCTCGCCCTGGAGCGCCTGCTTCTCGTTGGTGGCATCTTCCGCCGCCAGGCGCAGGTC-3'
Protein context (NP_006149.2, residues 155-175): NEKQALQGER[Glu165Lys]GLEETLRNLQ